The following is an entry in ClinVar:

ClinVar aggregate classification (germline): Conflicting classifications of pathogenicity. Review status: criteria provided, conflicting classifications (1 of 4 stars). 2 submissions from 2 submitters: Uncertain significance (1); Likely benign (1). Last evaluated 2024-12-20.

Conditions:
Hereditary cancer-predisposing syndrome. Also called: Tumor predisposition; Hereditary neoplastic syndrome; Neoplastic Syndromes, Hereditary; Hereditary Cancer Syndrome. Identifiers: Orphanet 140162, MedGen C0027672, MeSH D009386, MONDO:0015356.
Oligodontia-cancer predisposition syndrome. Also called: TOOTH AGENESIS-COLORECTAL CANCER SYNDROME. Identifiers: Orphanet 300576, MedGen C1837750, MONDO:0012075, OMIM 608615. Disease mechanism: loss of function.

Submissions (2):

Ambry Genetics
Classification: Likely benign for Hereditary cancer-predisposing syndrome. Last evaluated: 2024-12-20. Review status: criteria provided, single submitter. Criteria: Ambry Variant Classification Scheme 2023. Collection method: clinical testing. Allele origin: germline.

Labcorp Genetics (formerly Invitae), Labcorp
Classification: Uncertain significance for Oligodontia-cancer predisposition syndrome. Last evaluated: 2023-06-29. Review status: criteria provided, single submitter. Criteria: Invitae Variant Classification Sherloc (09022015). Collection method: clinical testing. Allele origin: germline.
Comment: This variant has not been reported in the literature in individuals affected with AXIN2-related conditions. In summary, the available evidence is currently insufficient to determine the role of this variant in disease. Therefore, it has been classified as a Variant of Uncertain Significance. Advanced modeling of protein sequence and biophysical properties (such as structural, functional, and spatial information, amino acid conservation, physicochemical variation, residue mobility, and thermodynamic stability) performed at Invitae indicates that this missense variant is not expected to disrupt AXIN2 protein function. ClinVar contains an entry for this variant (Variation ID: 1496794). This variant is not present in population databases (gnomAD no frequency). This sequence change replaces methionine, which is neutral and non-polar, with valine, which is neutral and non-polar, at codon 565 of the AXIN2 protein (p.Met565Val).

NM_004655.4(AXIN2):c.1693A>G (p.Met565Val)

Gene: AXIN2 (axin 2; minus strand). Cytogenetic location: 17q24.1.
Variant type: single nucleotide variant.
Coding change: c.1693A>G on transcript NM_004655.4 (MANE Select); coding-DNA position 1693, A replaced by G.
Protein change: p.Met565Val; replaces methionine 565 with valine.
Molecular consequence: missense variant.
Genome position (GRCh38, 1-based): chr17:65,537,343, T>C on the plus strand (A>G on the coding strand, the complement: AXIN2 is on the minus strand). VCF-style: chr17-65537343-T-C. GRCh37 (hg19) VCF-style: chr17-63533461-T-C.
Other names: c.1693A>G, p.Met565Val (NM_001363813.1); short protein forms M565V.
Identifiers: ClinVar variation 1496794 (VCV001496794.9), dbSNP rs2144455898, ClinGen allele CA400676825.